The following is an entry in ClinVar:

ClinVar aggregate classification (germline): Likely pathogenic (1 of 4 stars; one submission).

Conditions:
Congenital multicore myopathy with external ophthalmoplegia (CMYO1B). Also called: MULTIMINICORE DISEASE WITH EXTERNAL OPHTHALMOPLEGIA; Minicore myopathy with external ophthalmoplegia; Congenital myopathy 1B, autosomal recessive; Minicore myopathy; MULTICORE MYOPATHY. Identifiers: Orphanet 598, Orphanet 98905, MedGen C1850674, MONDO:0009712, OMIM 255320, HP:0003789.

Submission:

Juno Genomics, Hangzhou Juno Genomics, Inc
Classification: Likely pathogenic for Congenital multicore myopathy with external ophthalmoplegia. Review status: criteria provided, single submitter. Criteria: ACMG Guidelines, 2015. Collection method: clinical testing. Allele origin: germline.
Comment: Null variant in a gene where loss of function (LOF) is a known mechanism of disease.;Absent from controls (or at extremely low frequency if recessive) in Genome Aggregation Database.

NM_000540.3(RYR1):c.13292_13296del (p.Pro4431fs)

Genes: RYR1 (ryanodine receptor 1; plus strand), LOC130064357 (ATAC-STARR-seq lymphoblastoid silent region 10577; plus strand). Cytogenetic location: 19q13.2.
Variant type: Microsatellite.
Coding change: c.13292_13296del on transcript NM_000540.3 (MANE Select); coding-DNA positions 13292 to 13296, 5 bases deleted (CGGGC; older notation c.13292_13296delCGGGC).
Protein change: p.Pro4431fs; shifts the reading frame from proline 4431.
Molecular consequence: frameshift variant.
Genome position (GRCh38, 1-based): chr19:38,565,626-38,565,630, CGGGC deleted; deleting any 5 consecutive bases within chr19:38,565,618-38,565,630 gives the same sequence; the c. name uses the placement nearest the transcript's 3' end. VCF-style (leftmost placement, unchanged base first): chr19-38565617-AGGCCG-A. GRCh37 (hg19) VCF-style: chr19-39056257-AGGCCG-A.
Other names: c.13277_13281del, p.Pro4426fs (NM_001042723.2); short protein forms P4431fs, P4426fs.
Identifiers: ClinVar variation 5005984 (VCV005005984.2).